The following is an entry in ClinVar:

ClinVar aggregate classification (germline): Uncertain significance (1 of 4 stars; one submission).

Conditions:
Immunodeficiency, common variable, 10. Also called: IMMUNODEFICIENCY, COMMON VARIABLE, WITH CENTRAL ADRENAL INSUFFICIENCY; DEFICIT IN ANTERIOR PITUITARY FUNCTION AND VARIABLE IMMUNODEFICIENCY. Identifiers: MedGen C3809991, MONDO:0014260, OMIM 615577.

Allele frequency attached by ClinVar (database versions not stated): TOPMed 0.00002.
gnomAD v4.1: 1 of 1,599,070 alleles (0.000063%); highest among the groups gnomAD compares: Non-Finnish European, 0.000085%; no homozygotes.

Submission:

Labcorp Genetics (formerly Invitae), Labcorp
Classification: Uncertain significance for Immunodeficiency, common variable, 10. Last evaluated: 2025-07-01. Review status: criteria provided, single submitter. Criteria: Invitae Variant Classification Sherloc (09022015). Collection method: clinical testing. Allele origin: germline.
Comment: This sequence change replaces phenylalanine, which is neutral and non-polar, with leucine, which is neutral and non-polar, at codon 379 of the NFKB2 protein (p.Phe379Leu). This variant is not present in population databases (gnomAD no frequency). This variant has not been reported in the literature in individuals affected with NFKB2-related conditions. ClinVar contains an entry for this variant (Variation ID: 1021917). An algorithm developed to predict the effect of missense changes on protein structure and function (PolyPhen-2) suggests that this variant is likely to be tolerated. In summary, the available evidence is currently insufficient to determine the role of this variant in disease. Therefore, it has been classified as a Variant of Uncertain Significance.

NM_001322934.2(NFKB2):c.1137C>A (p.Phe379Leu)

Genes: NFKB2 (nuclear factor kappa B subunit 2; plus strand), LOC130004599 (ATAC-STARR-seq lymphoblastoid silent region 2756; plus strand). Cytogenetic location: 10q24.32.
Variant type: single nucleotide variant.
Coding change: c.1137C>A on transcript NM_001322934.2 (MANE Select); coding-DNA position 1137, C replaced by A.
Protein change: p.Phe379Leu; replaces phenylalanine 379 with leucine.
Molecular consequence: missense variant.
Genome position (GRCh38, 1-based): chr10:102,399,307, C>A. VCF-style: chr10-102399307-C-A. GRCh37 (hg19) VCF-style: chr10-104159064-C-A.
Other names: c.1137C>A, p.Phe379Leu (NM_001077494.3, NM_001261403.3, NM_001288724.1 and 1 more transcripts); c.1011C>A, p.Phe337Leu (NM_001322935.1); short protein forms F337L, F379L.
Identifiers: ClinVar variation 1021917 (VCV001021917.9), dbSNP rs920445238, ClinGen allele CA377898614.